The following is an entry in ClinVar:

ClinVar aggregate classification (germline): Conflicting classifications of pathogenicity. Review status: criteria provided, conflicting classifications (1 of 4 stars). 20 submissions from 16 submitters: Uncertain significance (3); Benign (3); Likely benign (10). 4 of the submissions do not count toward it. Last evaluated 2026-07-01.

Conditions:
TTN-related disorder. Also called: TTN-related disorders; TTN-related condition; TTN-related disease.
Cardiovascular phenotype. Identifiers: MedGen CN230736.
Autosomal recessive limb-girdle muscular dystrophy type 2J (LGMDR10). Also called: Limb-girdle muscular dystrophy, type 2J; MUSCULAR DYSTROPHY, LIMB-GIRDLE, AUTOSOMAL RECESSIVE 10. Identifiers: Orphanet 140922, MedGen C1837342, MONDO:0012127, OMIM 608807.
Dilated cardiomyopathy 1G (CMD1G). Identifiers: Orphanet 154, MedGen C1858763, MONDO:0011400, OMIM 604145.
Myopathy, myofibrillar, 9, with early respiratory failure (MFM9). Also called: Myopathy, distal, with early respiratory failure, autosomal dominant; EDSTROM MYOPATHY; MYOPATHY, PROXIMAL, WITH EARLY RESPIRATORY MUSCLE INVOLVEMENT; Hereditary myopathy with early respiratory failure. Identifiers: Orphanet 178464, Orphanet 34521, MedGen C1863599, MONDO:0011362, OMIM 603689.
Early-onset myopathy with fatal cardiomyopathy (CMYO5). Also called: Salih Myopathy; CONGENITAL MYOPATHY 5 WITH CARDIOMYOPATHY. Identifiers: Orphanet 289377, MedGen C2673677, MONDO:0012714, OMIM 611705. Disease mechanism: loss of function.
Tibial muscular dystrophy (TMD). Also called: Udd Distal Myopathy – Tibial Muscular Dystrophy; UDD MYOPATHY; Tibial muscular dystrophy, tardive. Identifiers: Orphanet 609, MedGen C1838244, MONDO:0010870, OMIM 600334.

Allele frequency attached by ClinVar (database versions not stated): gnomAD 0.00139 and 0.00151; TOPMed 0.00151; gnomAD exomes 0.00012 and 0.00033; ExAC 0.00042; 1000 Genomes Project 0.00100; 1000 Genomes Project 30x 0.00125; ESP Exome Variant Server 0.00137.
gnomAD v4.1: 395 of 1,613,832 alleles (0.024%); highest among the groups gnomAD compares: African/African-American, 0.46%; no homozygotes.

Submissions (20):

CeGaT Center for Human Genetics Tuebingen
Classification: Likely benign. Last evaluated: 2026-07-01. Review status: criteria provided, single submitter. Criteria: CeGaT Center For Human Genetics Tuebingen Variant Classification Criteria Version 2. Collection method: clinical testing. Allele origin: germline. Affected: yes. Observed: 5 variant alleles.
Comment: TTN: BS1

Women's Health and Genetics/Laboratory Corporation of America, LabCorp
Classification: Likely benign. Last evaluated: 2026-03-11. Review status: criteria provided, single submitter. Criteria: LabCorp Variant Classification Summary - May 2015. Collection method: clinical testing. Allele origin: germline.
Comment: Variant summary: TTN c.90563C>T (p.Thr30188Ile) results in a non-conservative amino acid change in the encoded protein sequence. Algorithms developed to predict the effect of missense changes on protein structure and function are either unavailable or do not agree on the potential impact of this missense change. The variant allele was found at a frequency of 0.00033 in 248830 control chromosomes, predominantly at a frequency of 0.0046 within the African or African-American subpopulation in the gnomAD database. The observed variant frequency within African or African-American control individuals in the gnomAD database exceeds the estimated maximal expected allele frequency for disease-causing variants in TTN. To our knowledge, no occurrence of c.90563C>T in individuals affected with TTN-related conditions and no experimental evidence demonstrating its impact on protein function have been reported. ClinVar contains an entry for this variant (Variation ID: 178164). Based on the evidence outlined above, the variant was classified as likely benign.

Labcorp Genetics (formerly Invitae), Labcorp
Classification: Benign for Dilated cardiomyopathy 1G; Autosomal recessive limb-girdle muscular dystrophy type 2J. Last evaluated: 2026-02-02. Review status: criteria provided, single submitter. Criteria: Invitae Variant Classification Sherloc (09022015). Collection method: clinical testing. Allele origin: germline.

Molecular Diagnostic Laboratory for Inherited Cardiovascular Disease, Montreal Heart Institute
Classification: Likely benign. Last evaluated: 2025-04-09. Review status: criteria provided, single submitter. Criteria: ACMG Guidelines, 2015. Collection method: clinical testing. Allele origin: germline. Affected: no.
Comment: BS1;BP1;BP6

Mayo Clinic Laboratories, Mayo Clinic
Classification: Likely benign. Last evaluated: 2024-10-16. Review status: criteria provided, single submitter. Criteria: ACMG Guidelines, 2015. Collection method: clinical testing. Allele origin: germline. Observed: 3 variant alleles.
Comment: BS1, BP4

Blueprint Genetics
Classification: Likely benign. Last evaluated: 2024-09-03. Review status: criteria provided, single submitter. Criteria: ACMG Guidelines, 2015. Collection method: clinical testing. Allele origin: germline.

Ambry Genetics
Classification: Likely benign for Cardiovascular phenotype. Last evaluated: 2019-03-22. Review status: criteria provided, single submitter. Criteria: Ambry Autosomal Dominant and X-Linked criteria (3/2017). Collection method: clinical testing. Allele origin: germline. Observed: 1 variant allele.
Comment: Other strong data supporting benign classification

Illumina Laboratory Services, Illumina
Classification: Benign for Myopathy, myofibrillar, 9, with early respiratory failure. Last evaluated: 2018-01-12. Review status: criteria provided, single submitter. Criteria: ICSL Variant Classification Criteria 13 December 2019. Collection method: clinical testing. Allele origin: germline.
Comment: This variant was observed in the ICSL laboratory as part of a predisposition screen in an ostensibly healthy population. It had not been previously curated by ICSL or reported in the Human Gene Mutation Database (HGMD: prior to June 1st, 2018), and was therefore a candidate for classification through an automated scoring system. Utilizing variant allele frequency, disease prevalence and penetrance estimates, and inheritance mode, an automated score was calculated to assess if this variant is too frequent to cause the disease. Based on the score and internal cut-off values, a variant classified as benign is not then subjected to further curation. The score for this variant resulted in a classification of benign for this disease.

Illumina Laboratory Services, Illumina
Classification: Benign for Tibial muscular dystrophy. Last evaluated: 2018-01-12. Review status: criteria provided, single submitter. Criteria: ICSL Variant Classification Criteria 13 December 2019. Collection method: clinical testing. Allele origin: germline.
Comment: the same text as in the submission from Illumina Laboratory Services, Illumina above.

Illumina Laboratory Services, Illumina
Classification: Uncertain significance for Autosomal recessive limb-girdle muscular dystrophy type 2J. Last evaluated: 2018-01-12. Review status: criteria provided, single submitter. Criteria: ICSL Variant Classification Criteria 13 December 2019. Collection method: clinical testing. Allele origin: germline.

Illumina Laboratory Services, Illumina
Classification: Uncertain significance for Dilated cardiomyopathy 1G. Last evaluated: 2018-01-12. Review status: criteria provided, single submitter. Criteria: ICSL Variant Classification Criteria 13 December 2019. Collection method: clinical testing. Allele origin: germline.

Illumina Laboratory Services, Illumina
Classification: Uncertain significance for Early-onset myopathy with fatal cardiomyopathy. Last evaluated: 2018-01-12. Review status: criteria provided, single submitter. Criteria: ICSL Variant Classification Criteria 13 December 2019. Collection method: clinical testing. Allele origin: germline.

GeneDx
Classification: Likely benign. Last evaluated: 2017-12-08. Review status: criteria provided, single submitter. Criteria: GeneDx Variant Classification (06012015). Collection method: clinical testing. Allele origin: germline. Affected: yes.
Comment: This variant is considered likely benign or benign based on one or more of the following criteria: it is a conservative change, it occurs at a poorly conserved position in the protein, it is predicted to be benign by multiple in silico algorithms, and/or has population frequency not consistent with disease.

Eurofins Ntd Llc (ga)
Classification: Likely benign. Last evaluated: 2014-10-10. Review status: criteria provided, single submitter. Criteria: EGL Classification Definitions 2015. Collection method: clinical testing. Allele origin: germline. Observed: 1 variant allele, 1 heterozygote.

Biesecker Lab/Clinical Genomics Section, National Institutes of Health
Classification: Likely benign. Last evaluated: 2013-06-24. Review status: criteria provided, single submitter. Criteria: Ng et al. (Circ Cardiovasc Genet. 2013). Collection method: research. Allele origin: unknown. Observed: 1 variant allele. Study: ClinSeq.
Comment: The study set was not selected for affection status in relation to any cancer. Pathogenicity categories were based on literature curation. See Pubmed ID:23861362 for details.

Medical sequencing

Laboratory for Molecular Medicine, Mass General Brigham Personalized Medicine
Classification: Likely benign. Last evaluated: 2012-03-19. Review status: criteria provided, single submitter. Criteria: LMM Criteria. Collection method: clinical testing. Allele origin: germline. Observed: 1 variant allele.
Comment: p.Thr30188Ile in Exon 301 of TTN: This variant is not expected to have clinical significance because it has been identified in 0.4% (14/3342) of African America n chromosomes from a broad population by the NHLBI Exome Sequencing Project (dbSNP rs114725084).

PreventionGenetics, part of Exact Sciences
Classification: Likely benign for TTN-related condition. Last evaluated: 2020-02-18. Review status: no assertion criteria provided. Collection method: clinical testing. Allele origin: germline. Not counted in ClinVar's aggregate classification.
Comment: This variant is classified as likely benign based on ACMG/AMP sequence variant interpretation guidelines (Richards et al. 2015 PMID: 25741868, with internal and published modifications).

Clinical Genetics DNA and cytogenetics Diagnostics Lab, Erasmus MC, Erasmus Medical Center
Classification: Likely benign. Review status: no assertion criteria provided. Collection method: clinical testing. Allele origin: germline. Affected: yes. Study: VKGL Data-share Consensus. Not counted in ClinVar's aggregate classification.

Clinical Genetics, Academic Medical Center
Classification: Benign. Review status: no assertion criteria provided. Collection method: clinical testing. Allele origin: germline. Affected: yes. Study: VKGL Data-share Consensus. Not counted in ClinVar's aggregate classification.

Genome Diagnostics Laboratory, University Medical Center Utrecht
Classification: Likely benign. Review status: no assertion criteria provided. Collection method: clinical testing. Allele origin: germline. Affected: yes. Study: VKGL Data-share Consensus. Not counted in ClinVar's aggregate classification.

NM_001267550.2(TTN):c.98267C>T (p.Thr32756Ile)

Genes: TTN-AS1 (TTN antisense RNA 1; plus strand), TTN (titin; minus strand). Cytogenetic location: 2q31.2.
Variant type: single nucleotide variant.
Coding change: c.98267C>T on transcript NM_001267550.2 (MANE Select); coding-DNA position 98267, C replaced by T.
Protein change: p.Thr32756Ile; replaces threonine 32756 with isoleucine.
Molecular consequence: missense variant. On other transcripts: non-coding transcript variant (1).
Genome position (GRCh38, 1-based): chr2:178,539,798, G>A on the plus strand (C>T on the coding strand, the complement: TTN is on the minus strand). VCF-style: chr2-178539798-G-A. GRCh37 (hg19) VCF-style: chr2-179404525-G-A.
Other names: p.T31115I:ACA>ATA; p.Thr31115Ile; c.71072C>T, p.Thr23691Ile (NM_003319.4); c.71447C>T, p.Thr23816Ile (NM_133432.3); c.71648C>T, p.Thr23883Ile (NM_133437.4); c.93344C>T, p.Thr31115Ile (NM_001256850.1); c.90563C>T, p.Thr30188Ile (NM_133378.4); short protein forms T30188I, T32756I, T31115I, T23816I, T23691I, T23883I.
Identifiers: ClinVar variation 178164 (VCV000178164.70), dbSNP rs199805060, ClinGen allele CA181596.
Genomic context (GRCh38, chr2:178,539,798, plus strand): 5'-ACCAGGTCATAAGTGCCAGAATCACCCCTGTCTGCTTCTTTGATCACAAGCTCAGTGTGT[G>A]TTTCAGATGTTGCAATCATGGCACGCTTACTAATATCCTGGCCTTCCTTGGTCCATTTAC-3'
Protein context (NP_001254479.2, residues 32746-32766): SKRAMIATSE[Thr32756Ile]HTELVIKEAD